The following is an entry in ClinVar:

NM_001127178.3(PIGG):c.2086G>A (p.Glu696Lys)

Gene: PIGG (phosphatidylinositol glycan anchor biosynthesis class G (EMM blood group); plus strand). Cytogenetic location: 4p16.3.
Variant type: single nucleotide variant.
Coding change: c.2086G>A on transcript NM_001127178.3 (MANE Select); coding-DNA position 2086, G replaced by A.
Protein change: p.Glu696Lys; replaces glutamic acid 696 with lysine.
Molecular consequence: missense variant. On other transcripts: non-coding transcript variant (10).
Genome position (GRCh38, 1-based): chr4:527,055, G>A. VCF-style: chr4-527055-G-A. GRCh37 (hg19) VCF-style: chr4-520844-G-A.
Other names: c.1819G>A, p.Glu607Lys (NM_001289051.2, NM_001345986.2); c.1687G>A, p.Glu563Lys (NM_001289052.2); c.1795G>A, p.Glu599Lys (NM_001345987.2); c.1057G>A, p.Glu353Lys (NM_001345988.2); c.553G>A, p.Glu185Lys (NM_001345990.2, NM_001345991.2); c.988G>A, p.Glu330Lys (NM_001345994.2); c.2062G>A, p.Glu688Lys (NM_017733.5); short protein forms E696K, E688K, E330K, E185K, E353K, E563K, E607K, E599K.
Identifiers: ClinVar variation 476330 (VCV000476330.13), dbSNP rs142598041, ClinGen allele CA2793542.
Genomic context (GRCh38, chr4:527,055, plus strand): 5'-CGCTGTTTGTTTACGTAATGCTGGCATTTTCCATCTCATTTCAGCTCTGACCACAAAGCC[G>A]AGCTCTCTGTCCTGGCTGCCCTCTCCCTCCTCGTAGTTTTTGTGCTGGTGCAGAGGGGGT-3'
Protein context (NP_001120650.1, residues 686-706): HWLTSSDHKA[Glu696Lys]LSVLAALSLL

ClinVar aggregate classification (germline): Conflicting classifications of pathogenicity. Review status: criteria provided, conflicting classifications (1 of 4 stars). 6 submissions from 6 submitters: Uncertain significance (4); Likely benign (1). 1 of the submissions does not count toward it. Last evaluated 2024-12-28.

Conditions:
PIGG-related disorder. Also called: PIGG-related condition.
Intellectual disability, autosomal recessive 53 (NEDHSCA). Also called: NEURODEVELOPMENTAL DISORDER WITH OR WITHOUT HYPOTONIA, SEIZURES, AND CEREBELLAR ATROPHY; GLYCOSYLPHOSPHATIDYLINOSITOL BIOSYNTHESIS DEFECT 13; Mental retardation, autosomal recessive 53. Identifiers: Orphanet 488635, MedGen C4310794, MONDO:0014832, OMIM 616917.
Inborn genetic diseases. Identifiers: MedGen C0950123, MeSH D030342.

Allele frequency attached by ClinVar (database versions not stated): gnomAD 0.00015; TOPMed 0.00021; ESP Exome Variant Server 0.00015; gnomAD exomes 0.00018; ExAC 0.00014.
gnomAD v4.1: 198 of 1,613,938 alleles (0.012%); highest among the groups gnomAD compares: Middle Eastern, 0.26%; no homozygotes.

Submissions (6):

Ambry Genetics
Classification: Likely benign for Inborn genetic diseases. Last evaluated: 2024-12-28. Review status: criteria provided, single submitter. Criteria: Ambry Variant Classification Scheme 2023. Collection method: clinical testing. Allele origin: germline.

GeneDx
Classification: Uncertain significance. Last evaluated: 2024-10-01. Review status: criteria provided, single submitter. Criteria: GeneDx Variant Classification Process June 2021. Collection method: clinical testing. Allele origin: germline. Affected: yes.
Comment: In silico analysis indicates that this missense variant does not alter protein structure/function; Has not been previously published as pathogenic or benign to our knowledge

Labcorp Genetics (formerly Invitae), Labcorp
Classification: Uncertain significance for Intellectual disability, autosomal recessive 53. Last evaluated: 2022-09-12. Review status: criteria provided, single submitter. Criteria: Invitae Variant Classification Sherloc (09022015). Collection method: clinical testing. Allele origin: germline.
Comment: This sequence change replaces glutamic acid, which is acidic and polar, with lysine, which is basic and polar, at codon 696 of the PIGG protein (p.Glu696Lys). This variant is present in population databases (rs142598041, gnomAD 0.03%). This variant has not been reported in the literature in individuals affected with PIGG-related conditions. ClinVar contains an entry for this variant (Variation ID: 476330). Advanced modeling of protein sequence and biophysical properties (such as structural, functional, and spatial information, amino acid conservation, physicochemical variation, residue mobility, and thermodynamic stability) performed at Invitae indicates that this missense variant is expected to disrupt PIGG protein function. In summary, the available evidence is currently insufficient to determine the role of this variant in disease. Therefore, it has been classified as a Variant of Uncertain Significance.

Baylor Genetics
Classification: Uncertain significance for Intellectual disability, autosomal recessive 53. Last evaluated: 2018-02-13. Review status: criteria provided, single submitter. Criteria: ACMG Guidelines, 2015. Collection method: clinical testing. Allele origin: maternal. Affected: yes.
Comment: This variant was determined to be of uncertain significance according to ACMG Guidelines, 2015 [PMID:25741868].

Breakthrough Genomics
Classification: Uncertain significance. Review status: criteria provided, single submitter. Criteria: ACMG Guidelines, 2015. Collection method: not provided. Allele origin: germline. Inheritance: Autosomal recessive inheritance. Affected: yes.

PreventionGenetics, part of Exact Sciences
Classification: Uncertain significance for PIGG-related condition. Last evaluated: 2024-06-10. Review status: no assertion criteria provided. Collection method: clinical testing. Allele origin: germline. Not counted in ClinVar's aggregate classification.
Comment: The PIGG c.2086G>A variant is predicted to result in the amino acid substitution p.Glu696Lys. To our knowledge, this variant has not been reported in the literature. This variant is reported in 0.025% of alleles in individuals of Latino descent in gnomAD. A variant affecting the same amino acid (c.2088G>C; p.Glu696Asp) has been reported in the compound heterozygous state with a second variant in the gene (c.2041C>T; p.Arg681Trp) in a patient with PIGG-related neurodevelopmental disease (Tremblay-Laganiere et al. 2021. PubMed ID: 34113002). At this time, the clinical significance of this variant is uncertain due to the absence of conclusive functional and genetic evidence.